The following is an entry in ClinVar:

ClinVar aggregate classification (germline): Uncertain significance (1 of 4 stars; one submission).

Conditions:
Fanconi anemia complementation group J. Also called: BRIP1-Related Fanconi Anemia. Identifiers: Orphanet 84, MedGen C1836860, MONDO:0012187, OMIM 609054.
Familial cancer of breast. Also called: Hereditary breast cancer; hereditary breast carcinoma; BREAST CANCER, FAMILIAL. Identifiers: Orphanet 227535, MedGen C0346153, MONDO:0016419, OMIM 114480. Disease mechanism: loss of function.

Submission:

Labcorp Genetics (formerly Invitae), Labcorp
Classification: Uncertain significance for Familial cancer of breast; Fanconi anemia complementation group J. Last evaluated: 2025-08-13. Review status: criteria provided, single submitter. Criteria: Invitae Variant Classification Sherloc (09022015). Collection method: clinical testing. Allele origin: germline.
Comment: This sequence change replaces alanine, which is neutral and non-polar, with threonine, which is neutral and polar, at codon 406 of the BRIP1 protein (p.Ala406Thr). This variant is not present in population databases (gnomAD no frequency). This variant has not been reported in the literature in individuals affected with BRIP1-related conditions. Invitae Evidence Modeling of protein sequence and biophysical properties (such as structural, functional, and spatial information, amino acid conservation, physicochemical variation, residue mobility, and thermodynamic stability) has been performed for this missense variant. However, the output from this modeling did not meet the statistical confidence thresholds required to predict the impact of this variant on BRIP1 protein function. In summary, the available evidence is currently insufficient to determine the role of this variant in disease. Therefore, it has been classified as a Variant of Uncertain Significance.

NM_032043.3(BRIP1):c.1216G>A (p.Ala406Thr)

Gene: BRIP1 (BRCA1 interacting DNA helicase 1; minus strand). Cytogenetic location: 17q23.2.
Variant type: single nucleotide variant.
Coding change: c.1216G>A on transcript NM_032043.3 (MANE Select); coding-DNA position 1216, G replaced by A.
Protein change: p.Ala406Thr; replaces alanine 406 with threonine.
Molecular consequence: missense variant.
Genome position (GRCh38, 1-based): chr17:61,799,224, C>T on the plus strand (G>A on the coding strand, the complement: BRIP1 is on the minus strand). VCF-style: chr17-61799224-C-T. GRCh37 (hg19) VCF-style: chr17-59876585-C-T.
Other names: short protein forms A406T.
Identifiers: ClinVar variation 4783543 (VCV004783543.1).
Genomic context (GRCh38, chr17:61,799,224, plus strand): 5'-CCATACTATCTAGTTCATCCCGAGCAAACCGAAGCTGAACTTCTGTTACACTGTAACTTG[C>T]TGATTCCCGAGCACAGTCCTCGATGTTATGAGCTTCATCTAAAATGACAACCTGTTCTTT-3'
Protein context (NP_114432.2, residues 396-416): HNIEDCARES[Ala406Thr]SYSVTEVQLR